The following is an entry in ClinVar:

NM_001453.3(FOXC1):c.1092C>T (p.Pro364=)

Gene: FOXC1 (forkhead box C1; plus strand). Cytogenetic location: 6p25.3.
Variant type: single nucleotide variant.
Coding change: c.1092C>T on transcript NM_001453.3 (MANE Select); coding-DNA position 1092, C replaced by T.
Protein change: p.Pro364=; no amino-acid change (proline 364 retained).
Molecular consequence: synonymous variant.
Genome position (GRCh38, 1-based): chr6:1,611,537, C>T. VCF-style: chr6-1611537-C-T. GRCh37 (hg19) VCF-style: chr6-1611772-C-T.
Identifiers: ClinVar variation 4754634 (VCV004754634.1).
Genomic context (GRCh38, chr6:1,611,537, plus strand): 5'-CGCACCCCCGCTGGCGCTCGGCGCCTACTCGCCCGGCCAGAGCTCCCTCTACAGCTCCCC[C>T]TGCAGCCAGACCTCCAGCGCGGGCAGCTCGGGCGGCGGCGGCGGCGGCGCGGGGGCCGCG-3'
Protein context (NP_001444.2, residues 354-374): SPGQSSLYSS[Pro364=]CSQTSSAGSS

ClinVar aggregate classification (germline): Uncertain significance (1 of 4 stars; one submission).

Conditions:
Axenfeld-Rieger syndrome type 3 (RIEG3). Also called: AXENFELD-RIEGER ANOMALY WITH CARDIAC DEFECTS AND/OR SENSORINEURAL HEARING LOSS. Identifiers: Orphanet 782, MedGen C2678503, MONDO:0011233, OMIM 602482.

Submission:

Labcorp Genetics (formerly Invitae), Labcorp
Classification: Uncertain significance for Axenfeld-Rieger syndrome type 3. Last evaluated: 2025-05-11. Review status: criteria provided, single submitter. Criteria: Invitae Variant Classification Sherloc (09022015). Collection method: clinical testing. Allele origin: germline.
Comment: This sequence change affects codon 364 of the FOXC1 mRNA. It is a 'silent' change, meaning that it does not change the encoded amino acid sequence of the FOXC1 protein. This variant is not present in population databases (gnomAD no frequency). This variant has not been reported in the literature in individuals affected with FOXC1-related conditions. Experimental studies and prediction algorithms are not available or were not evaluated, and the effect of this variant on mRNA splicing is currently unknown. In summary, the available evidence is currently insufficient to determine the role of this variant in disease. Therefore, it has been classified as a Variant of Uncertain Significance.